The following is an entry in ClinVar:

NM_000135.4(FANCA):c.3338A>G (p.Asn1113Ser)

Gene: FANCA (FA complementation group A; minus strand). Cytogenetic location: 16q24.3.
Variant type: single nucleotide variant.
Coding change: c.3338A>G on transcript NM_000135.4 (MANE Select); coding-DNA position 3338, A replaced by G.
Protein change: p.Asn1113Ser; replaces asparagine 1113 with serine.
Molecular consequence: missense variant.
Genome position (GRCh38, 1-based): chr16:89,748,669, T>C on the plus strand (A>G on the coding strand, the complement: FANCA is on the minus strand). VCF-style: chr16-89748669-T-C. GRCh37 (hg19) VCF-style: chr16-89815077-T-C.
Other names: c.3338A>G, p.Asn1113Ser (NM_001286167.3); short protein forms N1113S.
Identifiers: ClinVar variation 3848257 (VCV003848257.1).

ClinVar aggregate classification (germline): Uncertain significance (1 of 4 stars; one submission).

Conditions:
Inborn genetic diseases. Identifiers: MedGen C0950123, MeSH D030342.

gnomAD v4.1: 2 of 1,613,708 alleles (0.00012%); highest among the groups gnomAD compares: Non-Finnish European, 0.00017%; no homozygotes.

Submission:

Ambry Genetics
Classification: Uncertain significance for Inborn genetic diseases. Last evaluated: 2025-02-21. Review status: criteria provided, single submitter. Criteria: Ambry Variant Classification Scheme 2023. Collection method: clinical testing. Allele origin: germline.
Comment: The p.N1113S variant (also known as c.3338A>G), located in coding exon 33 of the FANCA gene, results from an A to G substitution at nucleotide position 3338. The asparagine at codon 1113 is replaced by serine, an amino acid with highly similar properties. This amino acid position is conserved. In addition, this alteration is predicted to be tolerated by in silico analysis. Based on the available evidence, the clinical significance of this variant remains unclear.